The following is an entry in ClinVar:

NM_001360.3(DHCR7):c.977T>G (p.Val326Gly)

Gene: DHCR7 (7-dehydrocholesterol reductase; minus strand). Cytogenetic location: 11q13.4.
Variant type: single nucleotide variant.
Coding change: c.977T>G on transcript NM_001360.3 (MANE Select); coding-DNA position 977, T replaced by G.
Protein change: p.Val326Gly; replaces valine 326 with glycine.
Molecular consequence: missense variant.
Genome position (GRCh38, 1-based): chr11:71,435,826, A>C on the plus strand (T>G on the coding strand, the complement: DHCR7 is on the minus strand). VCF-style: chr11-71435826-A-C. GRCh37 (hg19) VCF-style: chr11-71146872-A-C.
Other names: c.977T>G, p.Val326Gly (NM_001163817.2); short protein forms V326G.
Identifiers: ClinVar variation 1493403 (VCV001493403.9), dbSNP rs1333822866, ClinGen allele CA381702554.

ClinVar aggregate classification (germline): Conflicting classifications of pathogenicity. Review status: criteria provided, conflicting classifications (1 of 4 stars). 2 submissions from 2 submitters: Likely pathogenic (1); Uncertain significance (1). Last evaluated 2025-09-23.

Conditions:
Smith-Lemli-Opitz syndrome (SLOS). Also called: 7-Dehydrocholesterol reductase deficiency; POLYDACTYLY, SEX REVERSAL, RENAL HYPOPLASIA, AND UNILOBAR LUNG; RSH SYNDROME; RUTLEDGE LETHAL MULTIPLE CONGENITAL ANOMALY SYNDROME; LETHAL ACRODYSGENITAL SYNDROME. Identifiers: Orphanet 818, MedGen C0175694, MONDO:0010035, OMIM 270400.

Submissions (2):

Women's Health and Genetics/Laboratory Corporation of America, LabCorp
Classification: Uncertain significance. Last evaluated: 2025-09-23. Review status: criteria provided, single submitter. Criteria: LabCorp Variant Classification Summary - May 2015. Collection method: clinical testing. Allele origin: germline.
Comment: Variant summary: DHCR7 c.977T>G (p.Val326Gly) results in a non-conservative amino acid change in the encoded protein sequence. Algorithms developed to predict the effect of missense changes on protein structure and function all suggest that this variant is likely to be disruptive. The variant was absent in 236770 control chromosomes (gnomAD). The available data on variant occurrences in the general population are insufficient to allow any conclusion about variant significance. To our knowledge, no occurrence of c.977T>G in individuals affected with DHCR7-related conditions and no experimental evidence demonstrating its impact on protein function have been reported. A different variant affecting the same codon has been classified as likely pathogenic/pathogenic by our lab (c.976G>T, p.Val326Leu), supporting the critical relevance of codon 326 to DHCR7 protein function. ClinVar contains an entry for this variant (Variation ID: 1493403). Based on the evidence outlined above, the variant was classified as uncertain significance.

Labcorp Genetics (formerly Invitae), Labcorp
Classification: Likely pathogenic for Smith-Lemli-Opitz syndrome. Last evaluated: 2023-04-07. Review status: criteria provided, single submitter. Criteria: Invitae Variant Classification Sherloc (09022015). Collection method: clinical testing. Allele origin: germline.
Comment: In summary, the currently available evidence indicates that the variant is pathogenic, but additional data are needed to prove that conclusively. Therefore, this variant has been classified as Likely Pathogenic. This variant disrupts the p.Val326 amino acid residue in DHCR7. Other variant(s) that disrupt this residue have been determined to be pathogenic (PMID: 9653161, 15521979, 27513191). This suggests that this residue is clinically significant, and that variants that disrupt this residue are likely to be disease-causing. Advanced modeling of protein sequence and biophysical properties (such as structural, functional, and spatial information, amino acid conservation, physicochemical variation, residue mobility, and thermodynamic stability) performed at Invitae indicates that this missense variant is expected to disrupt DHCR7 protein function. ClinVar contains an entry for this variant (Variation ID: 1493403). This variant has not been reported in the literature in individuals affected with DHCR7-related conditions. This variant is not present in population databases (gnomAD no frequency). This sequence change replaces valine, which is neutral and non-polar, with glycine, which is neutral and non-polar, at codon 326 of the DHCR7 protein (p.Val326Gly).

Literature cited by the submitters: PubMed 9653161 (cited by Labcorp Genetics (formerly Invitae), Labcorp); PubMed 15521979 (cited by Labcorp Genetics (formerly Invitae), Labcorp); PubMed 27513191 (cited by Labcorp Genetics (formerly Invitae), Labcorp).